The following is an entry in ClinVar:

ClinVar aggregate classification (germline): Likely benign. Review status: criteria provided, multiple submitters, no conflicts (2 of 4 stars). 2 submissions from 2 submitters: Likely benign (2). Last evaluated 2026-01-05.

Allele frequency attached by ClinVar (database versions not stated): gnomAD exomes 0.00009 and 0.00032; ExAC 0.00041; 1000 Genomes Project 30x 0.00094; gnomAD 0.00109 and 0.00116; 1000 Genomes Project 0.00120; TOPMed 0.00135; ESP Exome Variant Server 0.00223.
gnomAD v4.1: 304 of 1,614,126 alleles (0.019%); highest among the groups gnomAD compares: African/African-American, 0.35%; no homozygotes.

Submissions (2):

Labcorp Genetics (formerly Invitae), Labcorp
Classification: Likely benign. Last evaluated: 2026-01-05. Review status: criteria provided, single submitter. Criteria: Invitae Variant Classification Sherloc (09022015). Collection method: clinical testing. Allele origin: germline.

Women's Health and Genetics/Laboratory Corporation of America, LabCorp
Classification: Likely benign. Last evaluated: 2025-03-21. Review status: criteria provided, single submitter. Criteria: LabCorp Variant Classification Summary - May 2015. Collection method: clinical testing. Allele origin: germline.
Comment: Variant summary: DNASE1L3 c.782A>G (p.Tyr261Cys) results in a non-conservative amino acid change in the encoded protein sequence. Three of five in-silico tools predict a damaging effect of the variant on protein function. The variant allele was found at a frequency of 0.00032 in 251458 control chromosomes, predominantly at a frequency of 0.0038 within the African or African-American subpopulation in the gnomAD database. The observed variant frequency within African or African-American control individuals in the gnomAD database is approximately 3 fold of the estimated maximal expected allele frequency for a pathogenic variant in DNASE1L3 causing Autosomal systemic lupus erythematosus type 16 phenotype (0.0011). To our knowledge, no occurrence of c.782A>G in individuals affected with Autosomal systemic lupus erythematosus type 16 and no experimental evidence demonstrating its impact on protein function have been reported. ClinVar contains an entry for this variant (Variation ID: 732363). Based on the evidence outlined above, the variant was classified as likely benign.

NM_004944.4(DNASE1L3):c.782A>G (p.Tyr261Cys)

Gene: DNASE1L3 (deoxyribonuclease 1L3; minus strand). Cytogenetic location: 3p14.3.
Variant type: single nucleotide variant.
Coding change: c.782A>G on transcript NM_004944.4 (MANE Select); coding-DNA position 782, A replaced by G.
Protein change: p.Tyr261Cys; replaces tyrosine 261 with cysteine.
Molecular consequence: missense variant.
Genome position (GRCh38, 1-based): chr3:58,193,362, T>C on the plus strand (A>G on the coding strand, the complement: DNASE1L3 is on the minus strand). VCF-style: chr3-58193362-T-C. GRCh37 (hg19) VCF-style: chr3-58179089-T-C.
Other names: c.692A>G, p.Tyr231Cys (NM_001256560.2); short protein forms Y261C, Y231C.
Identifiers: ClinVar variation 732363 (VCV000732363.9), dbSNP rs146444966, ClinGen allele CA2469861.